The following is an entry in ClinVar:

ClinVar aggregate classification (germline): Uncertain significance (1 of 4 stars; one submission).

Conditions:
Inborn genetic diseases. Identifiers: MedGen C0950123, MeSH D030342.

Submission:

Ambry Genetics
Classification: Uncertain significance for Inborn genetic diseases. Last evaluated: 2026-08-18. Review status: criteria provided, single submitter. Criteria: Ambry Variant Classification Scheme 2023. Collection method: clinical testing. Allele origin: germline.
Comment: The p.K134E variant (also known as c.400A>G), located in coding exon 4 of the RTEL1 gene, results from an A to G substitution at nucleotide position 400. The lysine at codon 134 is replaced by glutamic acid, an amino acid with similar properties. This amino acid position is conserved. In addition, the in silico prediction for this alteration is inconclusive. Based on the available evidence, the clinical significance of this variant remains unclear.

NM_001283009.2(RTEL1):c.400A>G (p.Lys134Glu)

Genes: RTEL1 (regulator of telomere elongation helicase 1; plus strand), RTEL1-TNFRSF6B (RTEL1-TNFRSF6B readthrough (NMD candidate); plus strand). Cytogenetic location: 20q13.33.
Variant type: single nucleotide variant.
Coding change: c.400A>G on transcript NM_001283009.2 (MANE Select); coding-DNA position 400, A replaced by G.
Protein change: p.Lys134Glu; replaces lysine 134 with glutamic acid.
Molecular consequence: missense variant. On other transcripts: non-coding transcript variant (1), 5 prime UTR variant (1).
Genome position (GRCh38, 1-based): chr20:63,662,550, A>G. VCF-style: chr20-63662550-A-G. GRCh37 (hg19) VCF-style: chr20-62293903-A-G.
Other names: c.-270A>G (NM_001283010.1); c.400A>G, p.Lys134Glu (NM_016434.4); c.472A>G, p.Lys158Glu (NM_032957.5); short protein forms K134E, K158E.
Identifiers: ClinVar variation 5028514 (VCV005028514.1).